The following is an entry in ClinVar:

NM_006947.4(SRP72):c.797T>C (p.Ile266Thr)

Gene: SRP72 (signal recognition particle 72; plus strand). Cytogenetic location: 4q12.
Variant type: single nucleotide variant.
Coding change: c.797T>C on transcript NM_006947.4 (MANE Select); coding-DNA position 797, T replaced by C.
Protein change: p.Ile266Thr; replaces isoleucine 266 with threonine.
Molecular consequence: missense variant. On other transcripts: non-coding transcript variant (1), intron variant (1).
Genome position (GRCh38, 1-based): chr4:56,478,621, T>C. VCF-style: chr4-56478621-T-C. GRCh37 (hg19) VCF-style: chr4-57344787-T-C.
Other names: c.642+1919T>C (NM_001267722.2); short protein forms I266T.
Identifiers: ClinVar variation 2206465 (VCV002206465.6), dbSNP rs1209831144, ClinGen allele CA356998095.

ClinVar aggregate classification (germline): Uncertain significance. Review status: criteria provided, multiple submitters, no conflicts (2 of 4 stars). 2 submissions from 2 submitters: Uncertain significance (2). Last evaluated 2026-01-05.

Allele frequency attached by ClinVar (database versions not stated): TOPMed below 0.00001; gnomAD exomes 0.00001.
gnomAD v4.1: 3 of 1,614,044 alleles (0.00019%); highest among the groups gnomAD compares: Admixed American, 0.005%; no homozygotes.

Submissions (2):

Labcorp Genetics (formerly Invitae), Labcorp
Classification: Uncertain significance. Last evaluated: 2026-01-05. Review status: criteria provided, single submitter. Criteria: Invitae Variant Classification Sherloc (09022015). Collection method: clinical testing. Allele origin: germline.
Comment: This sequence change replaces isoleucine, which is neutral and non-polar, with threonine, which is neutral and polar, at codon 266 of the SRP72 protein (p.Ile266Thr). This variant is present in population databases (no rsID available, gnomAD 0.006%). This variant has not been reported in the literature in individuals affected with SRP72-related conditions. ClinVar contains an entry for this variant (Variation ID: 2206465). Invitae Evidence Modeling of protein sequence and biophysical properties (such as structural, functional, and spatial information, amino acid conservation, physicochemical variation, residue mobility, and thermodynamic stability) indicates that this missense variant is not expected to disrupt SRP72 protein function with a negative predictive value of 80%. In summary, the available evidence is currently insufficient to determine the role of this variant in disease. Therefore, it has been classified as a Variant of Uncertain Significance.

Ambry Genetics
Classification: Uncertain significance. Last evaluated: 2024-11-28. Review status: criteria provided, single submitter. Criteria: Ambry Variant Classification Scheme 2023. Collection method: clinical testing. Allele origin: germline.
Comment: The p.I266T variant (also known as c.797T>C), located in coding exon 8 of the SRP72 gene, results from a T to C substitution at nucleotide position 797. The isoleucine at codon 266 is replaced by threonine, an amino acid with similar properties. This amino acid position is conserved. In addition, this alteration is predicted to be tolerated by in silico analysis. Based on the available evidence, the clinical significance of this variant remains unclear.